The following is an entry in ClinVar:

ClinVar aggregate classification (germline): Uncertain significance. Review status: criteria provided, multiple submitters, no conflicts (2 of 4 stars). 2 submissions from 2 submitters: Uncertain significance (2). Last evaluated 2024-09-08.

Conditions:
Epilepsy, familial focal, with variable foci 1 (FFEVF1). Also called: DEPDC5-Related Epilepsy. Identifiers: MedGen C4551983, MONDO:0024556, OMIM 604364.
Familial focal epilepsy with variable foci (FPEVF). Identifiers: Orphanet 98820, MedGen C1858477, MONDO:0020310.

Submissions (2):

Labcorp Genetics (formerly Invitae), Labcorp
Classification: Uncertain significance for Familial focal epilepsy with variable foci. Last evaluated: 2024-09-08. Review status: criteria provided, single submitter. Criteria: Invitae Variant Classification Sherloc (09022015). Collection method: clinical testing. Allele origin: germline.
Comment: This sequence change falls in intron 6 of the DEPDC5 gene. It does not directly change the encoded amino acid sequence of the DEPDC5 protein. It affects a nucleotide within the consensus splice site. This variant is not present in population databases (gnomAD no frequency). This variant has not been reported in the literature in individuals affected with DEPDC5-related conditions. ClinVar contains an entry for this variant (Variation ID: 657133). Variants that disrupt the consensus splice site are a relatively common cause of aberrant splicing (PMID: 17576681, 9536098). Algorithms developed to predict the effect of sequence changes on RNA splicing suggest that this variant may create or strengthen a splice site. In summary, the available evidence is currently insufficient to determine the role of this variant in disease. Therefore, it has been classified as a Variant of Uncertain Significance.

Institute of Human Genetics, University of Leipzig Medical Center
Classification: Uncertain significance for Epilepsy, familial focal, with variable foci 1. Last evaluated: 2024-09-06. Review status: criteria provided, single submitter. Criteria: ACMG Guidelines, 2015. Collection method: clinical testing. Allele origin: unknown. Inheritance: Autosomal dominant inheritance. Affected: yes.
Comment: Criteria applied: PM2,PP3

Literature cited by the submitters: PubMed 17576681 (cited by Labcorp Genetics (formerly Invitae), Labcorp); PubMed 9536098 (cited by Labcorp Genetics (formerly Invitae), Labcorp).

NM_001242896.3(DEPDC5):c.363+6A>G

Gene: DEPDC5 (DEP domain containing 5, GATOR1 subcomplex subunit; plus strand). Cytogenetic location: 22q12.2.
Variant type: single nucleotide variant.
Coding change: c.363+6A>G on transcript NM_001242896.3 (MANE Select); 6 bases into the intron after coding-DNA position 363, A replaced by G.
Molecular consequence: intron variant.
Genome position (GRCh38, 1-based): chr22:31,766,674, A>G. VCF-style: chr22-31766674-A-G. GRCh37 (hg19) VCF-style: chr22-32162660-A-G.
Other names: c.363+6A>G (NM_001364318.2, NM_001136029.4, NM_014662.6 and 7 more transcripts); c.279+1614A>G (NM_001369902.1, NM_001369901.1).
Identifiers: ClinVar variation 657133 (VCV000657133.10), dbSNP rs933571182, ClinGen allele CA323326670.